The following is an entry in ClinVar:

NM_003396.3(WNT9B):c.144C>T (p.Gly48=)

Genes: LRRC37A2 (leucine rich repeat containing 37 member A2), WNT9B (Wnt family member 9B; plus strand). Cytogenetic location: 17q21.32.
Variant type: single nucleotide variant.
Coding change: c.144C>T on transcript NM_003396.3 (MANE Select); coding-DNA position 144, C replaced by T.
Protein change: p.Gly48=; no amino-acid change (glycine 48 retained).
Molecular consequence: synonymous variant.
Genome position (GRCh38, 1-based): chr17:46,872,583, C>T. VCF-style: chr17-46872583-C-T. GRCh37 (hg19) VCF-style: chr17-44949949-C-T.
Other names: c.144C>T, p.Gly48= (NM_001320458.2).
Identifiers: ClinVar variation 1601409 (VCV001601409.33), dbSNP rs146743600, ClinGen allele CA8620772.
Genomic context (GRCh38, chr17:46,872,583, plus strand): 5'-CGGGCGGGAAGTCCTGACGCCCTTCCCAGGATTGGGCACTGCGGCAGCCCCGGCACAGGG[C>T]GGGGCCCACCTGAAGCAGTGTGACCTGCTGAAGCTGTCCCGGCGGCAGAAGCAGCTCTGC-3'
Protein context (NP_003387.1, residues 38-58): GLGTAAAPAQ[Gly48=]GAHLKQCDLL

ClinVar aggregate classification (germline): Benign/Likely benign. Review status: criteria provided, multiple submitters, no conflicts (2 of 4 stars). 2 submissions from 2 submitters: Benign (1); Likely benign (1). Last evaluated 2023-10-29.

Allele frequency attached by ClinVar (database versions not stated): gnomAD exomes 0.00019 and 0.00050; ExAC 0.00063; gnomAD 0.00200 and 0.00217; TOPMed 0.00213; 1000 Genomes Project 0.00220; ESP Exome Variant Server 0.00231; 1000 Genomes Project 30x 0.00234.
gnomAD v4.1: 585 of 1,608,234 alleles (0.036%); highest among the groups gnomAD compares: African/African-American, 0.69%; 3 homozygotes.

Submissions (4):

Labcorp Genetics (formerly Invitae), Labcorp
Classification: Benign. Last evaluated: 2023-10-29. Review status: criteria provided, single submitter. Criteria: Invitae Variant Classification Sherloc (09022015). Collection method: clinical testing. Allele origin: germline.

CeGaT Center for Human Genetics Tuebingen
Classification: Likely benign. Last evaluated: 2022-04-01. Review status: criteria provided, single submitter. Criteria: CeGaT Center For Human Genetics Tuebingen Variant Classification Criteria Version 2. Collection method: clinical testing. Allele origin: germline. Affected: yes. Observed: 1 variant allele.
Comment: WNT9B: BP4, BP7

Dr. Peter K. Rogan Lab, Western University
No classification provided (evidence only). Condition: Thyroid cancer, nonmedullary, 1. Review status: no classification provided. Collection method: in vitro. Allele origin: not applicable. Functional consequence: retained intron. Not counted in ClinVar's aggregate classification.

Dr. Peter K. Rogan Lab, Western University
No classification provided (evidence only). Condition: Uterine corpus endometrial carcinoma. Review status: no classification provided. Collection method: in vitro. Allele origin: not applicable. Functional consequence: retained intron. Not counted in ClinVar's aggregate classification.